The following is an entry in ClinVar:

NM_005314.3(GRPR):c.110C>T (p.Pro37Leu)

Gene: GRPR (gastrin releasing peptide receptor; plus strand). Cytogenetic location: Xp22.2.
Variant type: single nucleotide variant.
Coding change: c.110C>T on transcript NM_005314.3 (MANE Select); coding-DNA position 110, C replaced by T.
Protein change: p.Pro37Leu; replaces proline 37 with leucine.
Molecular consequence: missense variant.
Genome position (GRCh38, 1-based): chrX:16,124,063, C>T. VCF-style: chrX-16124063-C-T. GRCh37 (hg19) VCF-style: chrX-16142186-C-T.
Other names: short protein forms P37L.
Identifiers: ClinVar variation 3051058 (VCV003051058.2), dbSNP rs142119363, ClinGen allele CA10356509.

ClinVar aggregate classification (germline): Likely benign (0 of 4 stars; one submission).

Conditions:
GRPR-related disorder. Also called: GRPR-related condition.

Allele frequency attached by ClinVar (database versions not stated): gnomAD exomes 0.00008; ExAC 0.00038; 1000 Genomes Project 30x 0.00042; 1000 Genomes Project 0.00053; gnomAD 0.00102; ESP Exome Variant Server 0.00114; TOPMed 0.00117.
gnomAD v4.1: 203 of 1,206,000 alleles (0.017%); highest among the groups gnomAD compares: African/African-American, 0.31%; no homozygotes.

Submission:

PreventionGenetics, part of Exact Sciences
Classification: Likely benign for GRPR-related condition. Last evaluated: 2022-05-09. Review status: no assertion criteria provided. Collection method: clinical testing. Allele origin: germline.
Comment: This variant is classified as likely benign based on ACMG/AMP sequence variant interpretation guidelines (Richards et al. 2015 PMID: 25741868, with internal and published modifications).